The following is an entry in ClinVar:

ClinVar aggregate classification (germline): Likely benign (1 of 4 stars; one submission).

gnomAD v4.1: 5 of 1,603,694 alleles (0.00031%); highest among the groups gnomAD compares: South Asian, 0.0034%; no homozygotes.

Submission:

CeGaT Center for Human Genetics Tuebingen
Classification: Likely benign. Last evaluated: 2026-06-01. Review status: criteria provided, single submitter. Criteria: CeGaT Center For Human Genetics Tuebingen Variant Classification Criteria Version 2. Collection method: clinical testing. Allele origin: germline. Affected: yes. Observed: 1 variant allele.
Comment: PHIP: BP4, BP7

NM_017934.7(PHIP):c.3519C>T (p.Asn1173=)

Genes: IRAK1BP1 (interleukin 1 receptor associated kinase 1 binding protein 1; plus strand), PHIP (PHIP subunit of CUL4-Ring ligase complex; minus strand). Cytogenetic location: 6q14.1.
Variant type: single nucleotide variant.
Coding change: c.3519C>T on transcript NM_017934.7 (MANE Select); coding-DNA position 3519, C replaced by T.
Protein change: p.Asn1173=; no amino-acid change (asparagine 1173 retained).
Molecular consequence: synonymous variant.
Genome position (GRCh38, 1-based): chr6:78,963,113, G>A on the plus strand (C>T on the coding strand, the complement: PHIP is on the minus strand). VCF-style: chr6-78963113-G-A. GRCh37 (hg19) VCF-style: chr6-79672830-G-A.
Identifiers: ClinVar variation 4875058 (VCV004875058.2).